The following is an entry in ClinVar:

ClinVar aggregate classification (germline): Uncertain significance (1 of 4 stars; one submission).

Conditions:
Developmental and epileptic encephalopathy, 53. Also called: Epileptic encephalopathy, early infantile, 53. Identifiers: MedGen C4479313, MONDO:0033362, OMIM 617389.
Early-onset Parkinson disease 20. Also called: PARKINSON DISEASE 20, AUTOSOMAL RECESSIVE EARLY-ONSET. Identifiers: Orphanet 391411, MedGen C3809824, MONDO:0014233, OMIM 615530.

Allele frequency attached by ClinVar (database versions not stated): gnomAD exomes below 0.00001 and 0.00001; TOPMed below 0.00001; gnomAD 0.00001.
gnomAD v4.1: 10 of 1,614,034 alleles (0.00062%); highest among the groups gnomAD compares: Middle Eastern, 0.016%; no homozygotes.

Submission:

Labcorp Genetics (formerly Invitae), Labcorp
Classification: Uncertain significance for Developmental and epileptic encephalopathy, 53; Early-onset Parkinson disease 20. Last evaluated: 2023-10-13. Review status: criteria provided, single submitter. Criteria: Invitae Variant Classification Sherloc (09022015). Collection method: clinical testing. Allele origin: germline.
Comment: This sequence change replaces isoleucine, which is neutral and non-polar, with threonine, which is neutral and polar, at codon 907 of the SYNJ1 protein (p.Ile907Thr). This variant is present in population databases (rs542283936, gnomAD 0.003%). This variant has not been reported in the literature in individuals affected with SYNJ1-related conditions. ClinVar contains an entry for this variant (Variation ID: 1063784). Advanced modeling of protein sequence and biophysical properties (such as structural, functional, and spatial information, amino acid conservation, physicochemical variation, residue mobility, and thermodynamic stability) performed at Invitae indicates that this missense variant is expected to disrupt SYNJ1 protein function. In summary, the available evidence is currently insufficient to determine the role of this variant in disease. Therefore, it has been classified as a Variant of Uncertain Significance.

NM_203446.3(SYNJ1):c.2603T>C (p.Ile868Thr)

Gene: SYNJ1 (synaptojanin 1; minus strand). Cytogenetic location: 21q22.11.
Variant type: single nucleotide variant.
Coding change: c.2603T>C on transcript NM_203446.3 (MANE Select); coding-DNA position 2603, T replaced by C.
Protein change: p.Ile868Thr; replaces isoleucine 868 with threonine.
Molecular consequence: missense variant.
Genome position (GRCh38, 1-based): chr21:32,656,879, A>G on the plus strand (T>C on the coding strand, the complement: SYNJ1 is on the minus strand). VCF-style: chr21-32656879-A-G. GRCh37 (hg19) VCF-style: chr21-34029189-A-G.
Other names: c.2603T>C, p.Ile868Thr (NM_001160302.2); c.2588T>C, p.Ile863Thr (NM_001160306.2); c.2720T>C, p.Ile907Thr (NM_003895.4); short protein forms I863T, I868T, I907T.
Identifiers: ClinVar variation 1063784 (VCV001063784.7), dbSNP rs542283936, ClinGen allele CA319425821.
Genomic context (GRCh38, chr21:32,656,879, plus strand): 5'-ACTGCAATTACTTCTTTATAAATGTTTTGCCTCTCTTCAGCTTCAACTTCAAATATATCT[A>G]TATCAATCAGGGCAACGACAGGCCTTAAGGCATAAAGGAAGATAGATGTATTAGAAATGT-3'
Protein context (NP_982271.3, residues 858-878): DHRPVVALID[Ile868Thr]DIFEVEAEER